The following is an entry in ClinVar:

NM_004186.5(SEMA3F):c.1434T>C (p.Tyr478=)

Gene: SEMA3F (semaphorin 3F; plus strand). Cytogenetic location: 3p21.31.
Variant type: single nucleotide variant.
Coding change: c.1434T>C on transcript NM_004186.5 (MANE Select); coding-DNA position 1434, T replaced by C.
Protein change: p.Tyr478=; no amino-acid change (tyrosine 478 retained).
Molecular consequence: synonymous variant.
Genome position (GRCh38, 1-based): chr3:50,184,792, T>C. VCF-style: chr3-50184792-T-C. GRCh37 (hg19) VCF-style: chr3-50222225-T-C.
Other names: c.1137T>C, p.Tyr379= (NM_001318798.2); c.1341T>C, p.Tyr447= (NM_001318800.2).
Identifiers: ClinVar variation 3344446 (VCV003344446.1).

ClinVar aggregate classification (germline): Likely benign (0 of 4 stars; one submission).

Conditions:
SEMA3F-related disorder. Also called: SEMA3F-related condition.

gnomAD v4.1: 25 of 1,613,902 alleles (0.0015%); highest among the groups gnomAD compares: Non-Finnish European, 0.002%; no homozygotes.

Submission:

PreventionGenetics, part of Exact Sciences
Classification: Likely benign for SEMA3F-related condition. Last evaluated: 2023-12-11. Review status: no assertion criteria provided. Collection method: clinical testing. Allele origin: germline.
Comment: This variant is classified as likely benign based on ACMG/AMP sequence variant interpretation guidelines (Richards et al. 2015 PMID: 25741868, with internal and published modifications).